The following is an entry in ClinVar:

ClinVar aggregate classification (germline): Pathogenic/Likely pathogenic. Review status: criteria provided, multiple submitters, no conflicts (2 of 4 stars). 4 submissions from 4 submitters: Pathogenic (1); Likely pathogenic (2). 1 of the submissions does not count toward it. Last evaluated 2022-03-17.

Conditions:
ELP2-related disorder. Also called: ELP2-Related Disorders; ELP2-related condition.
Intellectual developmental disorder, autosomal recessive 58. Also called: Intellectual disability, autosomal recessive 58. Identifiers: MedGen C4310641, MONDO:0014996, OMIM 617270.
Inborn genetic diseases. Identifiers: MedGen C0950123, MeSH D030342.

Allele frequency attached by ClinVar (database versions not stated): gnomAD exomes below 0.00001; TOPMed below 0.00001; ExAC 0.00001; gnomAD 0.00001.
gnomAD v4.1: 4 of 1,613,910 alleles (0.00025%); highest among the groups gnomAD compares: Non-Finnish European, 0.00034%; no homozygotes.

Submissions (4):

Women's Health and Genetics/Laboratory Corporation of America, LabCorp
Classification: Likely pathogenic for Intellectual developmental disorder, autosomal recessive 58. Last evaluated: 2022-03-17. Review status: criteria provided, single submitter. Criteria: LabCorp Variant Classification Summary - May 2015. Collection method: clinical testing. Allele origin: germline.
Comment: Variant summary: ELP2 c.617A>G (p.His206Arg) results in a non-conservative amino acid change in the encoded protein sequence. Five of five in-silico tools predict a damaging effect of the variant on protein function. The variant allele was found at a frequency of 4e-06 in 251380 control chromosomes (gnomAD). c.617A>G has been reported in the literature in compound heterozygous individuals affected with severe intellectual disability and neurodevelopmental delay (Cohen_2015, Kojic_2021) with strong co-segregation within a family where unaffected family members were either carriers for one ELP2 variant or non-carriers (Cohen_2015). These data indicate that the variant is likely to be associated with disease. One publication showed that the variant does not impact protein stability or Elongator protein complex formation, but significantly reduces tRNA induced acetyl COA hydroxylase activity (~60% activity, Kojic_2021). Mice homozygous for the same conserved amino acid residue have developmental delay and microcephaly, with reduction in cortical thickness, decrease in the number of interneurons, and significant changes in brain connectivity (Kojic_2021). Two ClinVar submitters have assessed the variant since 2014: one classified the variant as likely pathogenic and one as pathogenic. Based on the evidence outlined above, the variant was classified as likely pathogenic.

GeneDx
Classification: Likely pathogenic. Last evaluated: 2017-06-07. Review status: criteria provided, single submitter. Criteria: GeneDx Variant Classification (06012015). Collection method: clinical testing. Allele origin: germline. Affected: yes.
Comment: The H271R variant in the ELP2 gene has been reported previously in trans with another ELP2 variant in brothers with intellectual disability (Cohen et al., 2015). The H271R variant is not observed at a significant frequency in large population cohorts (Lek et al., 2016; 1000 Genomes Consortium et al., 2015; Exome Variant Server). The H271R variant is a conservative amino acid substitution, which is not likely to impact secondary protein structure as these residues share similar properties. However, this substitution occurs at a position that is conserved across species, and in silico analysis predicts this variant is probably damaging to the protein structure/function. The H271R variant is reported as pathogenic in ClinVar but additional evidence is not available (ClinVar SCV000262876.2; Landrum et al., 2016]. We interpret H271R as a likely pathogenic variant.

Ambry Genetics
Classification: Pathogenic for Inborn genetic diseases. Last evaluated: 2013-09-10. Review status: criteria provided, single submitter. Criteria: Ambry Autosomal Dominant and X-Linked criteria (10/2015). Collection method: clinical testing. Allele origin: germline. Observed: 1 variant allele.

OMIM
Classification: Pathogenic for INTELLECTUAL DEVELOPMENTAL DISORDER, AUTOSOMAL RECESSIVE 58. Last evaluated: 2022-02-18. Review status: no assertion criteria provided. Collection method: literature only. Allele origin: germline. Not counted in ClinVar's aggregate classification.

Literature cited by the submitters: PubMed 25847581 (cited by Women's Health and Genetics/Laboratory Corporation of America, LabCorp and OMIM); PubMed 33976153 (cited by Women's Health and Genetics/Laboratory Corporation of America, LabCorp).

NM_018255.4(ELP2):c.617A>G (p.His206Arg)

Gene: ELP2 (elongator acetyltransferase complex subunit 2; plus strand). Cytogenetic location: 18q12.2.
Variant type: single nucleotide variant.
Coding change: c.617A>G on transcript NM_018255.4 (MANE Select); coding-DNA position 617, A replaced by G.
Protein change: p.His206Arg; replaces histidine 206 with arginine.
Molecular consequence: missense variant. On other transcripts: non-coding transcript variant (3), intron variant (1).
Genome position (GRCh38, 1-based): chr18:36,142,309, A>G. VCF-style: chr18-36142309-A-G. GRCh37 (hg19) VCF-style: chr18-33722272-A-G.
Other names: c.812A>G, p.His271Arg (NM_001242875.3); c.734A>G, p.His245Arg (NM_001242876.3, NM_001324466.2); c.539A>G, p.His180Arg (NM_001242877.3, NM_001242878.3); c.617A>G, p.His206Arg (NM_001324465.2, NM_001324467.2); c.170A>G, p.His57Arg (NM_001324468.2); c.446-517A>G (NM_001242879.3); short protein forms H271R, H206R, H57R, H245R, H180R.
Identifiers: ClinVar variation 225008 (VCV000225008.8), dbSNP rs773432002, ClinGen allele CA358006.